The following is an entry in ClinVar:

NM_032634.4(PIGO):c.327_336del (p.Ile110fs)

Gene: PIGO (phosphatidylinositol glycan anchor biosynthesis class O; minus strand). Cytogenetic location: 9p13.3.
Variant type: Deletion.
Coding change: c.327_336del on transcript NM_032634.4 (MANE Select); coding-DNA positions 327 to 336, 10 bases deleted (GATCCTGGAG; older notation c.327_336delGATCCTGGAG).
Protein change: p.Ile110fs; shifts the reading frame from isoleucine 110.
Molecular consequence: frameshift variant.
Genome position (GRCh38, 1-based): chr9:35,095,230-35,095,239, CTCCAGGATC deleted on the plus strand (GATCCTGGAG on the coding strand, the reverse complement: PIGO is on the minus strand); deleting any 10 consecutive bases within chr9:35,095,230-35,095,242 gives the same sequence; the c. name uses the placement nearest the transcript's 3' end. VCF-style (leftmost placement, unchanged base first): chr9-35095229-TCTCCAGGATC-T. GRCh37 (hg19) VCF-style: chr9-35095226-TCTCCAGGATC-T.
Other names: c.327_336del, p.Ile110fs (NM_001201484.2, NM_152850.4); short protein forms I110fs.
Identifiers: ClinVar variation 2839262 (VCV002839262.3), dbSNP rs1829614049, ClinGen allele CA1845829109.

ClinVar aggregate classification (germline): Pathogenic (1 of 4 stars; one submission).

Conditions:
Hyperphosphatasia with impaired intellectual development syndrome 2. Also called: GLYCOSYLPHOSPHATIDYLINOSITOL BIOSYNTHESIS DEFECT 6; Hyperphosphatasia with intellectual disability syndrome 2. Identifiers: Orphanet 247262, MedGen C3553637, MONDO:0013882, OMIM 614749.

Submission:

Labcorp Genetics (formerly Invitae), Labcorp
Classification: Pathogenic for Hyperphosphatasia with impaired intellectual development syndrome 2. Last evaluated: 2024-04-11. Review status: criteria provided, single submitter. Criteria: Invitae Variant Classification Sherloc (09022015). Collection method: clinical testing. Allele origin: germline.
Comment: This sequence change creates a premature translational stop signal (p.Ile110Phefs*46) in the PIGO gene. It is expected to result in an absent or disrupted protein product. Loss-of-function variants in PIGO are known to be pathogenic (PMID: 22683086, 24417746). This variant is not present in population databases (gnomAD no frequency). This variant has not been reported in the literature in individuals affected with PIGO-related conditions. For these reasons, this variant has been classified as Pathogenic.

Literature cited by the submitters: PubMed 22683086; PubMed 24417746.